The following is an entry in ClinVar:

NM_002303.6(LEPR):c.531A>G (p.Gln177=)

Gene: LEPR (leptin receptor; plus strand). Cytogenetic location: 1p31.3.
Variant type: single nucleotide variant.
Coding change: c.531A>G on transcript NM_002303.6 (MANE Select); coding-DNA position 531, A replaced by G.
Protein change: p.Gln177=; no amino-acid change (glutamine 177 retained).
Molecular consequence: synonymous variant.
Genome position (GRCh38, 1-based): chr1:65,592,693, A>G. VCF-style: chr1-65592693-A-G. GRCh37 (hg19) VCF-style: chr1-66058376-A-G.
Other names: c.531A>G, p.Gln177= (NM_001003679.3, NM_001003680.3, NM_001198687.2 and 2 more transcripts).
Identifiers: ClinVar variation 2629576 (VCV002629576.1), dbSNP rs758719182, ClinGen allele CA894582.

ClinVar aggregate classification (germline): Uncertain significance (1 of 4 stars; one submission).

Conditions:
LEPR-related disorder. Also called: LEPR-related condition; LEPR-related disorders.

Allele frequency attached by ClinVar (database versions not stated): ExAC 0.00001; gnomAD 0.00001; gnomAD exomes 0.00001; TOPMed 0.00004.
gnomAD v4.1: 24 of 1,613,130 alleles (0.0015%); highest among the groups gnomAD compares: East Asian, 0.0022%; no homozygotes.

Submission:

PreventionGenetics, part of Exact Sciences
Classification: Uncertain significance for LEPR-related condition. Last evaluated: 2023-04-14. Review status: criteria provided, single submitter. Criteria: ACMG Guidelines, 2015. Collection method: clinical testing. Allele origin: germline.
Comment: The LEPR c.531A>G variant is not predicted to result in an amino acid change (p.=). This variant is predicted to create a cryptic splice acceptor site (Alamut Visual Plus v1.6.1). To our knowledge, this variant has not been reported in the literature. This variant is reported in 0.00088% of alleles in individuals of European (Non-Finnish) descent in gnomAD. At this time, the clinical significance of this variant is uncertain due to the absence of conclusive functional and genetic evidence.